The following is an entry in ClinVar:

NM_001129.5(AEBP1):c.2992G>A (p.Gly998Arg)

Gene: AEBP1 (AE binding protein 1; plus strand). Cytogenetic location: 7p13.
Variant type: single nucleotide variant.
Coding change: c.2992G>A on transcript NM_001129.5 (MANE Select); coding-DNA position 2992, G replaced by A.
Protein change: p.Gly998Arg; replaces glycine 998 with arginine.
Molecular consequence: missense variant.
Genome position (GRCh38, 1-based): chr7:44,113,776, G>A. VCF-style: chr7-44113776-G-A. GRCh37 (hg19) VCF-style: chr7-44153375-G-A.
Other names: short protein forms G998R.
Identifiers: ClinVar variation 1331325 (VCV001331325.2), dbSNP rs753375693, ClinGen allele CA4238375.

ClinVar aggregate classification (germline): Uncertain significance (1 of 4 stars; one submission).

Allele frequency attached by ClinVar (database versions not stated): ExAC 0.00001; gnomAD exomes 0.00002; TOPMed 0.00008.
gnomAD v4.1: 16 of 1,613,914 alleles (0.00099%); highest among the groups gnomAD compares: Admixed American, 0.02%; no homozygotes.

Submission:

GeneDx
Classification: Uncertain significance. Last evaluated: 2021-06-29. Review status: criteria provided, single submitter. Criteria: GeneDx Variant Classification Process June 2021. Collection method: clinical testing. Allele origin: germline. Affected: yes.
Comment: Not observed at significant frequency in large population cohorts (Lek et al., 2016); In silico analysis supports that this missense variant has a deleterious effect on protein structure/function; Has not been previously published as pathogenic or benign to our knowledge; This variant is associated with the following publications: (PMID: 27535533)